The following is an entry in ClinVar:

ClinVar aggregate classification (germline): Pathogenic. Review status: criteria provided, multiple submitters, no conflicts (2 of 4 stars). 2 submissions from 2 submitters: Pathogenic (2). Last evaluated 2025-02-04.

Conditions:
USH2A-related disorder. Also called: USH2A-related condition; USH2A-related disorders. Identifiers: MedGen CN239332.
Usher syndrome type 2A. Also called: RETINAL DISEASE IN USHER SYNDROME TYPE IIA, MODIFIER OF; USHER SYNDROME, TYPE IIA. Identifiers: Orphanet 231178, Orphanet 886, MedGen C1848634, MONDO:0010169, OMIM 276901.

gnomAD v4.1: 1 of 1,613,880 alleles (0.000062%); highest among the groups gnomAD compares: East Asian, 0.0022%; no homozygotes.

Submissions (2):

Myriad Genetics, Inc.
Classification: Pathogenic for USH2A-related disorder. Last evaluated: 2025-02-04. Review status: criteria provided, single submitter. Criteria: Myriad Autosomal Dominant, Autosomal Recessive and X-Linked Classification Criteria (2023). Collection method: clinical testing. Allele origin: unknown.
Comment: NM_206933.2(USH2A):c.14878C>T(Q4960*) is expected to be pathogenic in the context of USH2A-related disorders. This variant is predicted to lead to an abnormal or absent protein product due to the creation of a premature termination codon in USH2A, a gene where loss-of-function variants are known to be pathogenic. Please note: this variant was assessed in the context of healthy population screening.

Institute of Rare Diseases, West China Hospital, Sichuan University
Classification: Pathogenic for Usher syndrome type 2A. Last evaluated: 2025-01-09. Review status: criteria provided, single submitter. Criteria: ClinGen HL ACMG Specifications v1. Collection method: research. Allele origin: germline. Affected: yes.
Comment: PVS1;PM3_Supporting;PM2_Supporting

NM_206933.4(USH2A):c.14878C>T (p.Gln4960Ter)

Gene: USH2A (usherin; minus strand). Cytogenetic location: 1q41.
Variant type: single nucleotide variant.
Coding change: c.14878C>T on transcript NM_206933.4 (MANE Select); coding-DNA position 14878, C replaced by T.
Protein change: p.Gln4960Ter; replaces glutamine 4960 with a stop codon.
Molecular consequence: nonsense.
Genome position (GRCh38, 1-based): chr1:215,640,648, G>A on the plus strand (C>T on the coding strand, the complement: USH2A is on the minus strand). VCF-style: chr1-215640648-G-A. GRCh37 (hg19) VCF-style: chr1-215813990-G-A.
Other names: short protein forms Q4960*.
Identifiers: ClinVar variation 3601034 (VCV003601034.2).
Genomic context (GRCh38, chr1:215,640,648, plus strand): 5'-TGGTGTCCAAGCCGCTGTACACGCGTCGCCCTCCGTCGGTTAACACGTACTCCTTCAGTT[G>A]GCCGTTCAGGAGGAAGGTGTCACTCCAGTTCACACACACCACAGACAAATTGCTGTCCAC-3'